The following is an entry in ClinVar:

ClinVar aggregate classification (germline): Uncertain significance (1 of 4 stars; one submission).

Conditions:
Parathyroid carcinoma (PRTC). Also called: CDC73-Related Parathyroid Carcinoma; Parathyroid gland carcinoma. Identifiers: Orphanet 143, MedGen C0687150, MONDO:0012004, OMIM 608266, HP:0006780.

Submission:

Labcorp Genetics (formerly Invitae), Labcorp
Classification: Uncertain significance for Parathyroid carcinoma. Last evaluated: 2024-10-15. Review status: criteria provided, single submitter. Criteria: Invitae Variant Classification Sherloc (09022015). Collection method: clinical testing. Allele origin: germline.
Comment: This sequence change replaces phenylalanine, which is neutral and non-polar, with cysteine, which is neutral and slightly polar, at codon 62 of the CDC73 protein (p.Phe62Cys). This variant is not present in population databases (gnomAD no frequency). This variant has not been reported in the literature in individuals affected with CDC73-related conditions. Invitae Evidence Modeling of protein sequence and biophysical properties (such as structural, functional, and spatial information, amino acid conservation, physicochemical variation, residue mobility, and thermodynamic stability) has been performed for this missense variant. However, the output from this modeling did not meet the statistical confidence thresholds required to predict the impact of this variant on CDC73 protein function. In summary, the available evidence is currently insufficient to determine the role of this variant in disease. Therefore, it has been classified as a Variant of Uncertain Significance.

NM_024529.5(CDC73):c.185T>G (p.Phe62Cys)

Gene: CDC73 (cell division cycle 73; plus strand). Cytogenetic location: 1q31.2.
Variant type: single nucleotide variant.
Coding change: c.185T>G on transcript NM_024529.5 (MANE Select); coding-DNA position 185, T replaced by G.
Protein change: p.Phe62Cys; replaces phenylalanine 62 with cysteine.
Molecular consequence: missense variant.
Genome position (GRCh38, 1-based): chr1:193,125,165, T>G. VCF-style: chr1-193125165-T-G. GRCh37 (hg19) VCF-style: chr1-193094295-T-G.
Other names: short protein forms F62C.
Identifiers: ClinVar variation 3704753 (VCV003704753.2).